The following is an entry in ClinVar:

NM_001845.6(COL4A1):c.692A>T (p.Lys231Met)

Gene: COL4A1 (collagen type IV alpha 1 chain; minus strand). Cytogenetic location: 13q34.
Variant type: single nucleotide variant.
Coding change: c.692A>T on transcript NM_001845.6 (MANE Select); coding-DNA position 692, A replaced by T.
Protein change: p.Lys231Met; replaces lysine 231 with methionine.
Molecular consequence: missense variant.
Genome position (GRCh38, 1-based): chr13:110,208,850, T>A on the plus strand (A>T on the coding strand, the complement: COL4A1 is on the minus strand). VCF-style: chr13-110208850-T-A. GRCh37 (hg19) VCF-style: chr13-110861197-T-A.
Other names: c.692A>T, p.Lys231Met (NM_001303110.2); short protein forms K231M.
Identifiers: ClinVar variation 2973837 (VCV002973837.3), dbSNP rs2501590699, ClinGen allele CA388725237.
Genomic context (GRCh38, chr13:110,208,850, plus strand): 5'-CTGTCAGGTGAGGACTGTGGTTTTCAACATGAAAGCACTCCAGAGCAATATGCACTCACC[T>A]TGTCACCTTTTGGTCCTTGAAAACTTAAGCCCATTTGTCCCTGTGGATTAAAAATTAGGC-3'
Protein context (NP_001836.3, residues 221-241): GLSFQGPKGD[Lys231Met]GDQGVSGPPG

ClinVar aggregate classification (germline): Uncertain significance (1 of 4 stars; one submission).

Submission:

Labcorp Genetics (formerly Invitae), Labcorp
Classification: Uncertain significance. Last evaluated: 2023-03-19. Review status: criteria provided, single submitter. Criteria: Invitae Variant Classification Sherloc (09022015). Collection method: clinical testing. Allele origin: germline.
Comment: This sequence change replaces lysine, which is basic and polar, with methionine, which is neutral and non-polar, at codon 231 of the COL4A1 protein (p.Lys231Met). This variant is not present in population databases (gnomAD no frequency). This variant has not been reported in the literature in individuals affected with COL4A1-related conditions. Experimental studies and prediction algorithms are not available or were not evaluated, and the functional significance of this variant is currently unknown. In summary, the available evidence is currently insufficient to determine the role of this variant in disease. Therefore, it has been classified as a Variant of Uncertain Significance.